The following is an entry in ClinVar:

NM_001182.5(ALDH7A1):c.646C>T (p.Leu216Phe)

Gene: ALDH7A1 (aldehyde dehydrogenase 7 family member A1; minus strand). Cytogenetic location: 5q23.2.
Variant type: single nucleotide variant.
Coding change: c.646C>T on transcript NM_001182.5 (MANE Select); coding-DNA position 646, C replaced by T.
Protein change: p.Leu216Phe; replaces leucine 216 with phenylalanine.
Molecular consequence: missense variant.
Genome position (GRCh38, 1-based): chr5:126,577,083, G>A on the plus strand (C>T on the coding strand, the complement: ALDH7A1 is on the minus strand). VCF-style: chr5-126577083-G-A. GRCh37 (hg19) VCF-style: chr5-125912775-G-A.
Other names: c.562C>T, p.Leu188Phe (NM_001201377.2); c.646C>T, p.Leu216Phe (NM_001202404.2); short protein forms L188F, L216F.
Identifiers: ClinVar variation 1034604 (VCV001034604.6), dbSNP rs753791407, ClinGen allele CA3389717.

ClinVar aggregate classification (germline): Uncertain significance (1 of 4 stars; one submission).

Conditions:
Pyridoxine-dependent epilepsy (EPEO4). Also called: Pyridoxine-Dependent Seizures; Pyridoxine-Dependent Epilepsy - ALDH7A1; PYRIDOXINE DEPENDENCY WITH SEIZURES; EPILEPSY, EARLY-ONSET, 4, VITAMIN B6-DEPENDENT. Identifiers: Orphanet 3006, MedGen C1849508, MONDO:0009945, OMIM 266100. Disease mechanism: loss of function.

Allele frequency attached by ClinVar (database versions not stated): gnomAD exomes below 0.00001; ExAC 0.00001.

Submission:

Labcorp Genetics (formerly Invitae), Labcorp
Classification: Uncertain significance for Pyridoxine-dependent epilepsy. Last evaluated: 2021-08-26. Review status: criteria provided, single submitter. Criteria: Invitae Variant Classification Sherloc (09022015). Collection method: clinical testing. Allele origin: germline.
Comment: This sequence change replaces leucine with phenylalanine at codon 216 of the ALDH7A1 protein (p.Leu216Phe). The leucine residue is highly conserved and there is a small physicochemical difference between leucine and phenylalanine. This variant is present in population databases (rs753791407, ExAC 0.009%). This variant has not been reported in the literature in individuals affected with ALDH7A1-related conditions. Algorithms developed to predict the effect of missense changes on protein structure and function are either unavailable or do not agree on the potential impact of this missense change (SIFT: "Deleterious"; PolyPhen-2: "Benign"; Align-GVGD: "Class C0"). In summary, the available evidence is currently insufficient to determine the role of this variant in disease. Therefore, it has been classified as a Variant of Uncertain Significance.